The following is an entry in ClinVar:

NM_003597.5(KLF11):c.1382G>A (p.Arg461Gln)

Gene: KLF11 (KLF transcription factor 11; plus strand). Cytogenetic location: 2p25.1.
Variant type: single nucleotide variant.
Coding change: c.1382G>A on transcript NM_003597.5 (MANE Select); coding-DNA position 1382, G replaced by A.
Protein change: p.Arg461Gln; replaces arginine 461 with glutamine.
Molecular consequence: missense variant.
Genome position (GRCh38, 1-based): chr2:10,052,350, G>A. VCF-style: chr2-10052350-G-A. GRCh37 (hg19) VCF-style: chr2-10192477-G-A.
Other names: c.1331G>A, p.Arg444Gln (NM_001177716.2, NM_001177718.2); c.1382G>A (NM_003597.4); short protein forms R444Q, R461Q.
Identifiers: ClinVar variation 2167243 (VCV002167243.10), dbSNP rs199770737, ClinGen allele CA1525770.

ClinVar aggregate classification (germline): Likely benign. Review status: criteria provided, multiple submitters, no conflicts (2 of 4 stars). 4 submissions from 4 submitters: Likely benign (3). 1 of the submissions does not count toward it. Last evaluated 2025-11-24.

Conditions:
KLF11-related disorder. Also called: KLF11-related condition.

Allele frequency attached by ClinVar (database versions not stated): ESP Exome Variant Server 0.00008; TOPMed 0.00021; gnomAD 0.00029; ExAC 0.00041; gnomAD exomes 0.00050; 1000 Genomes Project 0.00060; 1000 Genomes Project 30x 0.00062.

Submissions (4):

Labcorp Genetics (formerly Invitae), Labcorp
Classification: Likely benign. Last evaluated: 2025-11-24. Review status: criteria provided, single submitter. Criteria: Invitae Variant Classification Sherloc (09022015). Collection method: clinical testing. Allele origin: germline.

Blueprint Genetics
Classification: Likely benign. Last evaluated: 2024-10-16. Review status: criteria provided, single submitter. Criteria: ACMG Guidelines, 2015. Collection method: clinical testing. Allele origin: germline.

Biomedical Genomics and Oncogenetics Laboratory, Institut Pasteur de Tunis, University Tunis El Manar
Classification: Likely benign. Last evaluated: 2022-09-23. Review status: criteria provided, single submitter. Criteria: ACMG Guidelines, 2015. Collection method: research. Allele origin: germline. Affected: no. Observed: 2 variant alleles.

PreventionGenetics, part of Exact Sciences
Classification: Likely benign for KLF11-related condition. Last evaluated: 2021-05-17. Review status: no assertion criteria provided. Collection method: clinical testing. Allele origin: germline. Not counted in ClinVar's aggregate classification.
Comment: This variant is classified as likely benign based on ACMG/AMP sequence variant interpretation guidelines (Richards et al. 2015 PMID: 25741868, with internal and published modifications).